The following is an entry in ClinVar:

ClinVar aggregate classification (germline): Pathogenic/Likely pathogenic. Review status: criteria provided, multiple submitters, no conflicts (2 of 4 stars). 37 submissions from 37 submitters: Pathogenic (29); Likely pathogenic (1). 7 of the submissions do not count toward it. Last evaluated 2026-06-01.

Conditions:
PPT1-related disorder. Also called: PPT1-related condition.
Neuronal Ceroid-Lipofuscinosis, Recessive.
Inborn genetic diseases. Identifiers: MedGen C0950123, MeSH D030342.
Neuronal ceroid lipofuscinosis. Also called: Neuronal Ceroid Lipofuscinoses. Identifiers: Orphanet 216, Orphanet 79263, MedGen C0027877, MONDO:0016295. Disease mechanism: loss of function.
Neuronal ceroid lipofuscinosis 1 (CLN1). Also called: CEROID LIPOFUSCINOSIS, NEURONAL, 1, VARIABLE AGE AT ONSET; PPT1-Related Neuronal Ceroid-Lipofuscinosis. Identifiers: Orphanet 228329, MedGen C1850451, MONDO:0009744, OMIM 256730.
Retinal disorder. Also called: Retinopathies; Retinal Diseases; Retinal disorders; Retinopathy. Identifiers: MedGen C0035309, MONDO:0005283, HP:0000488.

Allele frequency attached by ClinVar (database versions not stated): TOPMed 0.00033; gnomAD 0.00036 and 0.00038.

Submissions 1 to 14 of 37:

CeGaT Center for Human Genetics Tuebingen
Classification: Pathogenic. Last evaluated: 2026-06-01. Review status: criteria provided, single submitter. Criteria: CeGaT Center For Human Genetics Tuebingen Variant Classification Criteria Version 2. Collection method: clinical testing. Allele origin: germline. Affected: yes. Observed: 1 variant allele.
Comment: PPT1: PM3:Very Strong, PVS1, PM2

Genetics Laboratory, Great Ormond Street Hospital NHS Foundation Trust, North Thames Genomic Laboratory Hub
Classification: Pathogenic for Retinal disorders. Last evaluated: 2026-03-04. Review status: criteria provided, single submitter. Criteria: ACGS Best Practice Guidelines for Variant Classification in Rare Disease 2024 v1.2. Collection method: clinical testing. Allele origin: germline. Affected: yes.
Comment: PVS1_very-strong, PM3_strong, PP4_strong

Ambry Genetics
Classification: Pathogenic for Inborn genetic diseases. Last evaluated: 2026-02-10. Review status: criteria provided, single submitter. Criteria: Ambry Variant Classification Scheme 2023. Collection method: clinical testing. Allele origin: germline.
Comment: The c.451C>T (p.R151*) alteration, located in exon 5 (coding exon 5) of the PPT1 gene, consists of a C to T substitution at nucleotide position 451. This changes the amino acid from a arginine (R) to a stop codon at amino acid position 151. This variant is expected to result in loss of function by premature protein truncation or nonsense-mediated mRNA decay. Based on data from gnomAD, the T allele has an overall frequency of 0.024% (69/282782) total alleles studied. The highest observed frequency was 0.05% (65/129114) of European (non-Finnish) alleles. This variant has been identified in the homozygous state and/or in conjunction with other PPT1 variant(s) in individual(s) with features consistent with PPT1-related neuronal ceroid lipofuscinosis (Khan, 2013; Gall, 2021; Furley, 2024). Based on the available evidence, this alteration is classified as pathogenic.

Labcorp Genetics (formerly Invitae), Labcorp
Classification: Pathogenic for Neuronal ceroid lipofuscinosis 1. Last evaluated: 2026-02-04. Review status: criteria provided, single submitter. Criteria: Invitae Variant Classification Sherloc (09022015). Collection method: clinical testing. Allele origin: germline.
Comment: This sequence change creates a premature translational stop signal (p.Arg151*) in the PPT1 gene. It is expected to result in an absent or disrupted protein product. Loss-of-function variants in PPT1 are known to be pathogenic (PMID: 10679943, 21990111). This variant is present in population databases (rs137852700, gnomAD 0.05%). This premature translational stop signal has been observed in individual(s) with PPT1-related neuronal ceroid lipofusinosis (PMID: 9425237, 9664077, 21990111). ClinVar contains an entry for this variant (Variation ID: 8904). Algorithms developed to predict the effect of sequence changes on RNA splicing suggest that this variant may disrupt the consensus splice site. For these reasons, this variant has been classified as Pathogenic.

Victorian Clinical Genetics Services, Murdoch Childrens Research Institute
Classification: Pathogenic for Neuronal ceroid lipofuscinosis 1. Last evaluated: 2025-09-19. Review status: criteria provided, single submitter. Criteria: ACMG Guidelines, 2015. Collection method: clinical testing. Allele origin: germline. Affected: yes.
Comment: This variant is classified as Pathogenic. Evidence in support of pathogenic classification: Variant is predicted to cause nonsense-mediated decay (NMD) and loss of protein (premature termination codon is located at least 54 nucleotides upstream of the final exon-exon junction); Variant is present in gnomAD <0.01 for a recessive condition (v4: 732 heterozygote(s), 0 homozygote(s)); This variant has strong previous evidence of pathogenicity in unrelated individuals. This variant has been classified as pathogenic by multiple clinical laboratories in ClinVar; Other NMD-predicted variants comparable to the one identified in this case have very strong previous evidence for pathogenicity (ClinVar, DECIPHER). Additional information: This variant is homozygous; This gene is associated with autosomal recessive disease; Loss of function is a known mechanism of disease in this gene and is associated with neuronal ceroid lipofuscinosis 1 (MIM#256730).

Dasa
Classification: Pathogenic. Last evaluated: 2025-09-02. Review status: criteria provided, single submitter. Criteria: DASA Assertion Criteria. Collection method: clinical testing. Allele origin: germline.
Comment: NM_000310.4(PPT1):c.451C>T (p.Arg151*) introduces a premature termination codon predicted to result in loss of normal protein function. Loss-of-function is an established mechanism of disease for this gene. This variant has been observed in affected individuals with related phenotype in a genotype context consistent with recessive disease (PMID: 9425237; PMID: 9664077). This variant has been recurrently observed in individuals with related phenotype (PMID: 9425237; PMID: 9664077). The variant is present at low frequency in population datasets. Based on the available data, this variant is classified as pathogenic.

Revvity Omics, Revvity
Classification: Pathogenic for Neuronal ceroid lipofuscinosis 1. Last evaluated: 2025-08-01. Review status: criteria provided, single submitter. Criteria: ACMG Guidelines, 2015. Collection method: clinical testing. Allele origin: germline.

Mayo Clinic Laboratories, Mayo Clinic
Classification: Pathogenic. Last evaluated: 2025-07-14. Review status: criteria provided, single submitter. Criteria: ACMG Guidelines, 2015. Collection method: clinical testing. Allele origin: germline. Observed: 2 variant alleles.
Comment: PP5, PM2_moderate, PM3, PS3, PVS1

Natera, Inc.
Classification: Pathogenic for Neuronal ceroid lipofuscinosis 1. Last evaluated: 2025-06-09. Review status: criteria provided, single submitter. Criteria: Natera Variant Classification Schema (03/2026). Collection method: clinical testing. Allele origin: germline.
Comment: The c.451C>T variant in PPT1 is a nonsense variant predicted to introduce a stop codon at amino acid 151. This variant is expected to result in nonsense mediated decay, truncation, or a dysfunctional protein product. This variant has been observed in one or more individuals affected with the associated recessive disease, as either homozygous or compound heterozygous with a second variant (PMID: 10191107). Additionally, this variant has been observed to segregate in affected family members (PMID: 10191107). Given the available evidence, this variant is classified as Pathogenic.

Blueprint Genetics
Classification: Pathogenic for PPT1-related disorders. Last evaluated: 2024-11-13. Review status: criteria provided, single submitter. Criteria: ACMG Guidelines, 2015. Collection method: clinical testing. Allele origin: germline. Affected: yes. Observed: 5 variant alleles.

Fulgent Genetics
Classification: Pathogenic for Neuronal ceroid lipofuscinosis 1. Last evaluated: 2024-06-19. Review status: criteria provided, single submitter. Criteria: ACMG Guidelines, 2015. Collection method: clinical testing. Allele origin: germline.

Baylor Genetics
Classification: Pathogenic for Neuronal ceroid lipofuscinosis 1. Last evaluated: 2024-03-28. Review status: criteria provided, single submitter. Criteria: ACMG Guidelines, 2015. Collection method: clinical testing. Allele origin: unknown.

Institute of Human Genetics, University of Leipzig Medical Center
Classification: Pathogenic for Neuronal ceroid lipofuscinosis 1. Last evaluated: 2023-09-19. Review status: criteria provided, single submitter. Criteria: ACMG Guidelines, 2015. Collection method: clinical testing. Allele origin: unknown. Inheritance: Autosomal recessive inheritance. Affected: yes.
Comment: Criteria applied: PVS1,PM3_VSTR,PM2_SUP

PreventionGenetics, part of Exact Sciences
Classification: Pathogenic for PPT1-related condition. Last evaluated: 2023-07-20. Review status: criteria provided, single submitter. Criteria: ACMG Guidelines, 2015. Collection method: clinical testing. Allele origin: germline.
Comment: The PPT1 c.451C>T variant is predicted to result in premature protein termination (p.Arg151*). This variant has been documented to be pathogenic for autosomal recessive neuronal ceroid lipofuscinoses (NCL), and its pathogenicity is supported by functional studies (Mitchison et al. 1998. PubMed ID: 9425237; Miller et al. 2013. PubMed ID: 23539563). It has been reported as the most commonly occurring PPT1 pathogenic variant worldwide (Kousi et al. 2012. PubMed ID: 21990111). This variant is reported in 0.050% of alleles in individuals of European (Non-Finnish) descent in gnomAD. Nonsense variants in PPT1 are expected to be pathogenic. This variant is interpreted as pathogenic.

NM_000310.4(PPT1):c.451C>T (p.Arg151Ter)

Gene: PPT1 (palmitoyl-protein thioesterase 1; minus strand). Cytogenetic location: 1p34.2.
Variant type: single nucleotide variant.
Coding change: c.451C>T on transcript NM_000310.4 (MANE Select); coding-DNA position 451, C replaced by T.
Protein change: p.Arg151Ter; replaces arginine 151 with a stop codon.
Molecular consequence: nonsense.
Genome position (GRCh38, 1-based): chr1:40,089,495, G>A on the plus strand (C>T on the coding strand, the complement: PPT1 is on the minus strand). VCF-style: chr1-40089495-G-A. GRCh37 (hg19) VCF-style: chr1-40555167-G-A.
Other names: p.R151*:CGA>TGA; 451C-T; c.142C>T, p.Arg48Ter (NM_001142604.2); c.451C>T, p.Arg151Ter (NM_001363695.2); short protein forms R151*, R48*.
Identifiers: ClinVar variation 8904 (VCV000008904.69), dbSNP rs137852700, ClinGen allele CA316936.